The following is an entry in ClinVar:

NM_007327.4(GRIN1):c.705C>T (p.Ala235=)

Gene: GRIN1 (glutamate ionotropic receptor NMDA type subunit 1; plus strand). Cytogenetic location: 9q34.3.
Variant type: single nucleotide variant.
Coding change: c.705C>T on transcript NM_007327.4 (MANE Select); coding-DNA position 705, C replaced by T.
Protein change: p.Ala235=; no amino-acid change (alanine 235 retained).
Molecular consequence: synonymous variant.
Genome position (GRCh38, 1-based): chr9:137,156,702, C>T. VCF-style: chr9-137156702-C-T. GRCh37 (hg19) VCF-style: chr9-140051154-C-T.
Other names: c.705C>T, p.Ala235= (NM_000832.7, NM_021569.4); c.768C>T, p.Ala256= (NM_001185090.2, NM_001185091.2).
Identifiers: ClinVar variation 425471 (VCV000425471.20), dbSNP rs201343933, ClinGen allele CA5360744.

ClinVar aggregate classification (germline): Conflicting classifications of pathogenicity. Review status: criteria provided, conflicting classifications (1 of 4 stars). 4 submissions from 4 submitters: Uncertain significance (1); Likely benign (2). 1 of the submissions does not count toward it. Last evaluated 2026-01-19.

Conditions:
GRIN1-related disorder. Also called: GRIN1-related condition.
Inborn genetic diseases. Identifiers: MedGen C0950123, MeSH D030342.
Neurodevelopmental disorder with or without hyperkinetic movements and seizures, autosomal dominant. Also called: Intellectual disability, autosomal dominant 8. Identifiers: MedGen C3280282, MONDO:0013655, OMIM 614254.

Allele frequency attached by ClinVar (database versions not stated): gnomAD exomes 0.00006 and 0.00011; TOPMed 0.00014; ESP Exome Variant Server 0.00015.
gnomAD v4.1: 166 of 1,596,612 alleles (0.01%); highest among the groups gnomAD compares: Non-Finnish European, 0.013%; no homozygotes.

Submissions (4):

Labcorp Genetics (formerly Invitae), Labcorp
Classification: Likely benign for Neurodevelopmental disorder with or without hyperkinetic movements and seizures, autosomal dominant. Last evaluated: 2026-01-19. Review status: criteria provided, single submitter. Criteria: Invitae Variant Classification Sherloc (09022015). Collection method: clinical testing. Allele origin: germline.

CeGaT Center for Human Genetics Tuebingen
Classification: Uncertain significance. Last evaluated: 2016-11-30. Review status: criteria provided, single submitter. Criteria: Praxis fuer Humangenetik Tuebingen - Variant Classification Criteria. Collection method: clinical testing. Allele origin: germline. Affected: yes. Observed: 1 variant allele.

Ambry Genetics
Classification: Likely benign for Inborn genetic diseases. Last evaluated: 2016-09-01. Review status: criteria provided, single submitter. Criteria: Ambry Variant Classification Scheme 2023. Collection method: clinical testing. Allele origin: germline.

PreventionGenetics, part of Exact Sciences
Classification: Likely benign for GRIN1-related condition. Last evaluated: 2019-05-31. Review status: no assertion criteria provided. Collection method: clinical testing. Allele origin: germline. Not counted in ClinVar's aggregate classification.
Comment: This variant is classified as likely benign based on ACMG/AMP sequence variant interpretation guidelines (Richards et al. 2015 PMID: 25741868, with internal and published modifications).